The following is an entry in ClinVar:

NM_015559.3(SETBP1):c.1295T>C (p.Met432Thr)

Gene: SETBP1 (SET binding protein 1; plus strand). Cytogenetic location: 18q12.3.
Variant type: single nucleotide variant.
Coding change: c.1295T>C on transcript NM_015559.3 (MANE Select); coding-DNA position 1295, T replaced by C.
Protein change: p.Met432Thr; replaces methionine 432 with threonine.
Molecular consequence: missense variant.
Genome position (GRCh38, 1-based): chr18:44,950,635, T>C. VCF-style: chr18-44950635-T-C. GRCh37 (hg19) VCF-style: chr18-42530600-T-C.
Other names: c.1295T>C, p.Met432Thr (NM_001379141.1, NM_001379142.1, NM_001410862.1); short protein forms M432T.
Identifiers: ClinVar variation 3646153 (VCV003646153.2).

ClinVar aggregate classification (germline): Uncertain significance (1 of 4 stars; one submission).

Submission:

Labcorp Genetics (formerly Invitae), Labcorp
Classification: Uncertain significance. Last evaluated: 2024-03-16. Review status: criteria provided, single submitter. Criteria: Invitae Variant Classification Sherloc (09022015). Collection method: clinical testing. Allele origin: germline.
Comment: This sequence change replaces methionine, which is neutral and non-polar, with threonine, which is neutral and polar, at codon 432 of the SETBP1 protein (p.Met432Thr). This variant is not present in population databases (gnomAD no frequency). This variant has not been reported in the literature in individuals affected with SETBP1-related conditions. Advanced modeling of protein sequence and biophysical properties (such as structural, functional, and spatial information, amino acid conservation, physicochemical variation, residue mobility, and thermodynamic stability) performed at Invitae indicates that this missense variant is not expected to disrupt SETBP1 protein function with a negative predictive value of 80%. In summary, the available evidence is currently insufficient to determine the role of this variant in disease. Therefore, it has been classified as a Variant of Uncertain Significance.